The following is an entry in ClinVar:

NM_004304.5(ALK):c.1613C>T (p.Thr538Met)

Gene: ALK (ALK receptor tyrosine kinase; minus strand). Cytogenetic location: 2p23.2.
Variant type: single nucleotide variant.
Coding change: c.1613C>T on transcript NM_004304.5 (MANE Select); coding-DNA position 1613, C replaced by T.
Protein change: p.Thr538Met; replaces threonine 538 with methionine.
Molecular consequence: missense variant.
Genome position (GRCh38, 1-based): chr2:29,318,338, G>A on the plus strand (C>T on the coding strand, the complement: ALK is on the minus strand). VCF-style: chr2-29318338-G-A. GRCh37 (hg19) VCF-style: chr2-29541204-G-A.
Other names: short protein forms T538M.
Identifiers: ClinVar variation 470761 (VCV000470761.11), dbSNP rs775302364, ClinGen allele CA1594592.

ClinVar aggregate classification (germline): Uncertain significance. Review status: criteria provided, multiple submitters, no conflicts (2 of 4 stars). 2 submissions from 2 submitters: Uncertain significance (2). Last evaluated 2025-12-21.

Conditions:
Hereditary cancer-predisposing syndrome. Also called: Hereditary neoplastic syndrome; Neoplastic Syndromes, Hereditary; Tumor predisposition; Hereditary Cancer Syndrome. Identifiers: Orphanet 140162, MedGen C0027672, MeSH D009386, MONDO:0015356.
Neuroblastoma, susceptibility to, 3. Also called: ALK-Related Neuroblastic Tumor Susceptibility. Identifiers: Orphanet 635, MedGen C2751681, MONDO:0013083, OMIM 613014.

Allele frequency attached by ClinVar (database versions not stated): gnomAD exomes 0.00001; ExAC 0.00002; TOPMed 0.00002.

Submissions (2):

Labcorp Genetics (formerly Invitae), Labcorp
Classification: Uncertain significance for Neuroblastoma, susceptibility to, 3. Last evaluated: 2025-12-21. Review status: criteria provided, single submitter. Criteria: Invitae Variant Classification Sherloc (09022015). Collection method: clinical testing. Allele origin: germline.
Comment: This sequence change replaces threonine, which is neutral and polar, with methionine, which is neutral and non-polar, at codon 538 of the ALK protein (p.Thr538Met). This variant is present in population databases (rs775302364, gnomAD 0.007%). This variant has not been reported in the literature in individuals affected with ALK-related conditions. ClinVar contains an entry for this variant (Variation ID: 470761). An algorithm developed to predict the effect of missense changes on protein structure and function outputs the following: PolyPhen-2: "Benign". The methionine amino acid residue is found in multiple mammalian species, which suggests that this missense change does not adversely affect protein function. In summary, the available evidence is currently insufficient to determine the role of this variant in disease. Therefore, it has been classified as a Variant of Uncertain Significance.

Ambry Genetics
Classification: Uncertain significance for Hereditary cancer-predisposing syndrome. Last evaluated: 2025-04-28. Review status: criteria provided, single submitter. Criteria: Ambry Variant Classification Scheme 2023. Collection method: clinical testing. Allele origin: germline.
Comment: The p.T538M variant (also known as c.1613C>T), located in coding exon 8 of the ALK gene, results from a C to T substitution at nucleotide position 1613. The threonine at codon 538 is replaced by methionine, an amino acid with similar properties. This amino acid position is conserved. In addition, this alteration is predicted to be tolerated by in silico analysis. Based on the available evidence, the clinical significance of this variant remains unclear.